The following is an entry in ClinVar:

ClinVar aggregate classification (germline): Likely benign (1 of 4 stars; one submission).

Conditions:
MELAS syndrome (MELAS). Also called: Juvenile myopathy, encephalopathy, lactic acidosis, stroke. Identifiers: Orphanet 550, MedGen C0162671, MONDO:0010789, OMIM 540000.

Submission:

Wong Mito Lab, Molecular and Human Genetics, Baylor College of Medicine
Classification: Likely benign for MELAS syndrome. Last evaluated: 2019-07-12. Review status: criteria provided, single submitter. Criteria: Modified ACMG Guidelines (Unpublished). Collection method: clinical testing. Allele origin: germline.
Comment: The NC_012920.1:m.8300T>C variant in MT-TK gene is interpreted to be a Likely Benign variant based on the modified ACMG guidelines (unpublished). This variant meets the following evidence codes reported in the guidelines: BP4, BP5

Literature cited by the submitters: PubMed 31965079.

NC_012920.1(MT-TK):m.8300T>C

Gene: MT-TK (mitochondrially encoded tRNA lysine; plus strand).
Variant type: single nucleotide variant.
Genome position: chrM-8300-T-C.
Identifiers: ClinVar variation 690064 (VCV000690064.1), dbSNP rs1603221393, ClinGen allele CA913178876.
Genomic context (GRCh38, chrMT:8,300, plus strand): 5'-TTTGAAATAGGGCCCGTATTTACCCTATAGCACCCCCTCTACCCCCTCTAGAGCCCACTG[T>C]AAAGCTAACTTAGCATTAACCTTTTAAGTTAAAGATTAAGAGAACCAACACCTCTTTACA-3'